The following is an entry in ClinVar:

NM_019892.6(INPP5E):c.1351A>T (p.Asn451Tyr)

Gene: INPP5E (inositol polyphosphate-5-phosphatase E; minus strand). Cytogenetic location: 9q34.3.
Variant type: single nucleotide variant.
Coding change: c.1351A>T on transcript NM_019892.6 (MANE Select); coding-DNA position 1351, A replaced by T.
Protein change: p.Asn451Tyr; replaces asparagine 451 with tyrosine.
Molecular consequence: missense variant.
Genome position (GRCh38, 1-based): chr9:136,432,515, T>A on the plus strand (A>T on the coding strand, the complement: INPP5E is on the minus strand). VCF-style: chr9-136432515-T-A. GRCh37 (hg19) VCF-style: chr9-139326967-T-A.
Other names: c.1348A>T, p.Asn450Tyr (NM_001318502.2); short protein forms N450Y, N451Y.
Identifiers: ClinVar variation 4823380 (VCV004823380.4).

ClinVar aggregate classification (germline): Uncertain significance (1 of 4 stars; one submission).

Submission:

CeGaT Center for Human Genetics Tuebingen
Classification: Uncertain significance. Last evaluated: 2026-02-01. Review status: criteria provided, single submitter. Criteria: CeGaT Center For Human Genetics Tuebingen Variant Classification Criteria Version 2. Collection method: clinical testing. Allele origin: germline. Affected: yes. Observed: 1 variant allele.
Comment: INPP5E: PM2, BP4, BP5